The following is an entry in ClinVar:

NM_015378.4(VPS13D):c.5924A>G (p.Gln1975Arg)

Gene: VPS13D (vacuolar protein sorting 13 homolog D; plus strand). Cytogenetic location: 1p36.22.
Variant type: single nucleotide variant.
Coding change: c.5924A>G on transcript NM_015378.4 (MANE Select); coding-DNA position 5924, A replaced by G.
Protein change: p.Gln1975Arg; replaces glutamine 1975 with arginine.
Molecular consequence: missense variant.
Genome position (GRCh38, 1-based): chr1:12,293,595, A>G. VCF-style: chr1-12293595-A-G. GRCh37 (hg19) VCF-style: chr1-12353652-A-G.
Other names: c.5924A>G (NM_015378.3); c.5924A>G, p.Gln1975Arg (NM_018156.4); short protein forms Q1975R.
Identifiers: ClinVar variation 1431289 (VCV001431289.8), dbSNP rs747204221, ClinGen allele CA602471.

ClinVar aggregate classification (germline): Uncertain significance. Review status: criteria provided, multiple submitters, no conflicts (2 of 4 stars). 2 submissions from 2 submitters: Uncertain significance (2). Last evaluated 2024-06-26.

Allele frequency attached by ClinVar (database versions not stated): ExAC 0.00002; gnomAD 0.00002; TOPMed 0.00002; gnomAD exomes 0.00003 and 0.00004.
gnomAD v4.1: 47 of 1,614,070 alleles (0.0029%); highest among the groups gnomAD compares: Middle Eastern, 0.066%; no homozygotes.

Submissions (2):

Labcorp Genetics (formerly Invitae), Labcorp
Classification: Uncertain significance. Last evaluated: 2024-06-26. Review status: criteria provided, single submitter. Criteria: Invitae Variant Classification Sherloc (09022015). Collection method: clinical testing. Allele origin: germline.
Comment: This sequence change replaces glutamine, which is neutral and polar, with arginine, which is basic and polar, at codon 1975 of the VPS13D protein (p.Gln1975Arg). This variant is present in population databases (rs747204221, gnomAD 0.02%). This variant has not been reported in the literature in individuals affected with VPS13D-related conditions. ClinVar contains an entry for this variant (Variation ID: 1431289). Advanced modeling of protein sequence and biophysical properties (such as structural, functional, and spatial information, amino acid conservation, physicochemical variation, residue mobility, and thermodynamic stability) performed at Invitae indicates that this missense variant is not expected to disrupt VPS13D protein function with a negative predictive value of 80%. Algorithms developed to predict the effect of sequence changes on RNA splicing suggest that this variant may create or strengthen a splice site. In summary, the available evidence is currently insufficient to determine the role of this variant in disease. Therefore, it has been classified as a Variant of Uncertain Significance.

GeneDx
Classification: Uncertain significance. Last evaluated: 2023-07-04. Review status: criteria provided, single submitter. Criteria: GeneDx Variant Classification Process June 2021. Collection method: clinical testing. Allele origin: germline. Affected: yes.
Comment: In silico analysis supports that this missense variant has a deleterious effect on protein structure/function; In silico analysis suggests this variant may impact gene splicing. In the absence of RNA/functional studies, the actual effect of this sequence change is unknown.; Has not been previously published as pathogenic or benign to our knowledge